The following is an entry in ClinVar:

NM_016263.4(FZR1):c.771C>T (p.Asp257=)

Gene: FZR1 (fizzy and cell division cycle 20 related 1; plus strand). Cytogenetic location: 19p13.3.
Variant type: single nucleotide variant.
Coding change: c.771C>T on transcript NM_016263.4 (MANE Select); coding-DNA position 771, C replaced by T.
Protein change: p.Asp257=; no amino-acid change (aspartic acid 257 retained).
Molecular consequence: synonymous variant.
Genome position (GRCh38, 1-based): chr19:3,531,764, C>T. VCF-style: chr19-3531764-C-T. GRCh37 (hg19) VCF-style: chr19-3531762-C-T.
Other names: c.504C>T, p.Asp168= (NM_001136197.1); c.771C>T, p.Asp257= (NM_001136198.1).
Identifiers: ClinVar variation 4533764 (VCV004533764.6).

ClinVar aggregate classification (germline): Likely benign (1 of 4 stars; one submission).

gnomAD v4.1: 103 of 1,549,952 alleles (0.0066%); highest among the groups gnomAD compares: African/African-American, 0.0082%; no homozygotes.

Submission:

CeGaT Center for Human Genetics Tuebingen
Classification: Likely benign. Last evaluated: 2026-01-01. Review status: criteria provided, single submitter. Criteria: CeGaT Center For Human Genetics Tuebingen Variant Classification Criteria Version 2. Collection method: clinical testing. Allele origin: germline. Affected: yes. Observed: 2 variant alleles.
Comment: FZR1: BP4, BP7